The following is an entry in ClinVar:

NM_001851.6(COL9A1):c.580C>A (p.Leu194Ile)

Gene: COL9A1 (collagen type IX alpha 1 chain; minus strand). Cytogenetic location: 6q13.
Variant type: single nucleotide variant.
Coding change: c.580C>A on transcript NM_001851.6 (MANE Select); coding-DNA position 580, C replaced by A.
Protein change: p.Leu194Ile; replaces leucine 194 with isoleucine.
Molecular consequence: missense variant.
Genome position (GRCh38, 1-based): chr6:70,294,283, G>T on the plus strand (C>A on the coding strand, the complement: COL9A1 is on the minus strand). VCF-style: chr6-70294283-G-T. GRCh37 (hg19) VCF-style: chr6-71003986-G-T.
Other names: c.580C>A, p.Leu194Ile (NM_001377291.1); short protein forms L194I.
Identifiers: ClinVar variation 1488611 (VCV001488611.8), dbSNP rs2127604991, ClinGen allele CA364670873.

ClinVar aggregate classification (germline): Uncertain significance (1 of 4 stars; one submission).

Submission:

Labcorp Genetics (formerly Invitae), Labcorp
Classification: Uncertain significance. Last evaluated: 2022-02-10. Review status: criteria provided, single submitter. Criteria: Invitae Variant Classification Sherloc (09022015). Collection method: clinical testing. Allele origin: germline.
Comment: In summary, the available evidence is currently insufficient to determine the role of this variant in disease. Therefore, it has been classified as a Variant of Uncertain Significance. Advanced modeling of protein sequence and biophysical properties (such as structural, functional, and spatial information, amino acid conservation, physicochemical variation, residue mobility, and thermodynamic stability) performed at Invitae indicates that this missense variant is not expected to disrupt COL9A1 protein function. This variant has not been reported in the literature in individuals affected with COL9A1-related conditions. This variant is not present in population databases (gnomAD no frequency). This sequence change replaces leucine, which is neutral and non-polar, with isoleucine, which is neutral and non-polar, at codon 194 of the COL9A1 protein (p.Leu194Ile).